The following continues an entry in ClinVar:

NM_002880.4(RAF1):c.770C>T (p.Ser257Leu)

Gene: RAF1. ClinVar aggregate classification (germline): Pathogenic. Pathogenic (1). ClinVar aggregate classification (somatic clinical impact): Tier II - Potential.

Submissions 8 to 18 of 51:

Ambry Genetics
Classification: Pathogenic for Cardiovascular phenotype. Last evaluated: 2025-07-29. Review status: criteria provided, single submitter. Criteria: Ambry Variant Classification Scheme 2023. Collection method: clinical testing. Allele origin: germline. Not counted in ClinVar's aggregate classification.
Comment: The p.S257L pathogenic mutation (also known as c.770C>T), located in coding exon 6 of the RAF1 gene, results from a C to T substitution at nucleotide position 770. The serine at codon 257 is replaced by leucine, an amino acid with dissimilar properties. This variant was reported in individual(s) with features consistent with RAF1-related RASopathy; in at least one individual, it was determined to be de novo (Pandit B et al. Nat Genet, 2007 Aug;39:1007-12; Razzaque MA et al. Nat Genet, 2007 Aug;39:1013-7; Kobayashi T et al. Hum Mutat, 2010 Mar;31:284-94; Carcavilla A et al. Rev Esp Cardiol (Engl Ed), 2013 May;66:350-6; Xu S et al. BMC Med Genomics, 2017 10;10:62; Vasilescu C et al. J Am Coll Cardiol, 2018 11;72:2324-2338; Chinton J et al. Arch Argent Pediatr, 2019 10;117:330-337). This amino acid position is highly conserved in available vertebrate species. In addition, this alteration is predicted to be deleterious by in silico analysis. This variant is considered to be rare based on population cohorts in the Genome Aggregation Database (gnomAD). Based on the supporting evidence, this alteration is interpreted as a disease-causing mutation.

Labcorp Genetics (formerly Invitae), Labcorp
Classification: Pathogenic for RASopathy. Last evaluated: 2025-07-24. Review status: criteria provided, single submitter. Criteria: Invitae Variant Classification Sherloc (09022015). Collection method: clinical testing. Allele origin: germline. Not counted in ClinVar's aggregate classification.
Comment: This sequence change replaces serine, which is neutral and polar, with leucine, which is neutral and non-polar, at codon 257 of the RAF1 protein (p.Ser257Leu). This variant is not present in population databases (gnomAD no frequency). This missense change has been observed in individual(s) with Noonan syndrome, both with and without multiple lentigines (PMID: 17603482, 17603483, 20052757, 22389993, 23877478). In at least one individual the variant was observed to be de novo. ClinVar contains an entry for this variant (Variation ID: 13957). Invitae Evidence Modeling incorporating data from in vitro experimental studies (internal data) indicates that this missense variant is expected to disrupt RAF1 function with a positive predictive value of 95%. Experimental studies have shown that this missense change affects RAF1 function (PMID: 17603482, 20052757). For these reasons, this variant has been classified as Pathogenic.

Revvity Omics, Revvity
Classification: Pathogenic. Last evaluated: 2025-07-21. Review status: criteria provided, single submitter. Criteria: ACMG Guidelines, 2015. Collection method: clinical testing. Allele origin: germline. Not counted in ClinVar's aggregate classification.

Obstetrics Unit, Tongji Hospital, Huazhong University of Science and Technology
Classification: Pathogenic for Dilated cardiomyopathy 1NN; LEOPARD syndrome 2; Noonan syndrome 5. Last evaluated: 2024-12-25. Review status: criteria provided, single submitter. Criteria: ACMG Guidelines, 2015. Collection method: clinical testing. Allele origin: de novo. Affected: yes. Not counted in ClinVar's aggregate classification.
Comment: RAF1:NM_002880.4:exon7:c.770C>T:p.S257L variant: pathogenic (PS3+PM6_Strong+PM1+PM2+PP2) Strong pathogenicity evidence PS3: literature reports that kinase assays suggest that this variant results in impaired gene function [PMID:17603482]; Strong pathogenicity evidence PM6_Strong: this variant is a de novo variant not verified by biparental relatedness, literature reports a total of 2 Noonan syndrome This variant was detected as de novo in 2 patients with Noonan syndrome [PMID:17603482;22389993;23877478;25706034]; Moderate evidence of pathogenicity PM1: this variant is reported in the literature to be located in the key functional domain of the gene [PMID:29493581]; Moderate pathogenicity evidence PM2: the variant is found in the Human Exome Database (ExAC), Reference Population Thousand Genomes (1000G)and the Population Genome Mutation Frequency Database (gnomAD) were not found; Evidence in favor of pathogenicity PP2: Missense variants in this gene are a common mechanism responsible for the phenotype of the disease in question and the proportion of benign missense variants is low; This known variant is evaluated as P in the ClinVar database; this known variant is evaluated as DM [PMID:33240318;32981126;32668055;32573669;32506814]. Phenotypic match between disease characteristics and this case: partial match Mutations in the gene RAF1 (OMIM:164760) cause the autosomal dominant disease Cardiomyopathy, dilated, 1NN (dilated cardiomyopathy type 1NN) (OMIM:615916), the disease LEOPARD syndrome 2 ( OMIM:611554) and the autosomal dominant disorder Noonan syndrome 5 (Noonan syndrome type 5) (OMIM:611553).

Genomic Medicine Center of Excellence, King Faisal Specialist Hospital and Research Centre
Classification: Likely pathogenic for Noonan syndrome 5. Last evaluated: 2024-12-18. Review status: criteria provided, single submitter. Criteria: ACMG Guidelines, 2015. Collection method: clinical testing. Allele origin: germline. Not counted in ClinVar's aggregate classification.

Victorian Clinical Genetics Services, Murdoch Childrens Research Institute
Classification: Pathogenic for Noonan syndrome 5. Last evaluated: 2024-10-17. Review status: criteria provided, single submitter. Criteria: ACMG Guidelines, 2015. Collection method: clinical testing. Allele origin: germline. Affected: yes. Not counted in ClinVar's aggregate classification.
Comment: This variant is classified as Pathogenic. Evidence in support of pathogenic classification: Variant is absent from gnomAD (v2, v3 and v4); This variant has strong previous evidence of pathogenicity in unrelated individuals. This variant has been classified as pathogenic by the ClinGen RASopathy Variant Curation Expert Panel in ClinVar; Variant is located in a hotspot region or cluster of pathogenic variants (DECIPHER); Missense variant consistently predicted to be damaging by multiple in silico tools or highly conserved with a major amino acid change; Additional information: Variant is predicted to result in a missense amino acid change from serine to leucine; This variant is heterozygous; This gene is associated with autosomal dominant disease; An alternative amino acid change at the same position has been observed in gnomAD (v3) (2 heterozygotes, 0 homozygotes); Loss of function and gain of function are known mechanisms of disease in this gene. Gain of function is associated with Noonan (MIM#611553) and LEOPARD syndromes (MIM#2611554), while loss of function is associated with non-HCM-associated variants (PMIDs: 17603483, 17603482).

Blueprint Genetics
Classification: Pathogenic for RAF1-related disorders. Last evaluated: 2024-08-27. Review status: criteria provided, single submitter. Criteria: ACMG Guidelines, 2015. Collection method: clinical testing. Allele origin: germline. Affected: yes. Observed: 5 variant alleles. Not counted in ClinVar's aggregate classification.

Institute for Genomic Medicine (IGM) Clinical Laboratory, Nationwide Children's Hospital
Classification: Tier II - Potential for Embryonal rhabdomyosarcoma. Assertion type: diagnostic. Clinical significance: supports diagnosis. Last evaluated: 2024-06-19. Review status: criteria provided, single submitter. Criteria: AMP/ASCO/CAP Guidelines, 2017. Collection method: clinical testing. Allele origin: somatic. Affected: yes.
Comment: Variant has Tier II (potential) clinical significance as a diagnostic inclusion criterion in embryonal rhabdomyosarcoma, based on the following evidence: 1) Documented in one or more cancer databases (e.g., St. Jude Pecan, COSMIC, CIViC, OncoKB). 2) Information in the literature supports potential biologic effect of variant (PMIDs: 17603482, 17603483). 3) Diagnostic significance based on multiple small studies (Evidence Level C; PMIDs: 27273450, 16266992, 26619011).

Illumina Laboratory Services, Illumina
Classification: Pathogenic for Noonan syndrome 5. Last evaluated: 2023-10-03. Review status: criteria provided, single submitter. Criteria: ICSLVariantClassificationCriteria RUGD 01 April 2020. Collection method: clinical testing. Allele origin: unknown. Not counted in ClinVar's aggregate classification.
Comment: Across a selection of the literature, the RAF1 c.770C>T p.(Ser257Leu) missense variant has been identified in at least seven individuals with Noonan syndrome (PMID: 17603482; 25706034; 22389993). This variant is not observed in version 2.1.1 or version 3.1.2 of the Genome Aggregation Database. The p.(Ser257Leu) variant is located in a known functional domain and hotspot (PMID: 29493581). Functional evidence using transfected cells demonstrated that the variant impacts protein function (PMID: 17603482). This variant has been classified as pathogenic by the ClinGen RASopathy variant curation expert panel in ClinVar. Based on the available evidence, the c.770C>T p.(Ser257Leu) variant is classified as pathogenic for Noonan syndrome.

Centre of Medical Genetics, University Hospital Muenster
Classification: Pathogenic. Last evaluated: 2023-04-04. Review status: criteria provided, single submitter. Criteria: ACMG Guidelines, 2015. Collection method: clinical testing. Allele origin: unknown. Affected: yes. Observed: 1 variant allele, 1 heterozygote. Not counted in ClinVar's aggregate classification.
Comment: ACMG categories: PS3,PM1,PM2,PP3,PP5

CeGaT Center for Human Genetics Tuebingen
Classification: Pathogenic. Last evaluated: 2022-12-01. Review status: criteria provided, single submitter. Criteria: CeGaT Center For Human Genetics Tuebingen Variant Classification Criteria Version 2. Collection method: clinical testing. Allele origin: germline. Affected: yes. Observed: 2 variant alleles. Not counted in ClinVar's aggregate classification.
Comment: RAF1: PS2:Very Strong, PM2, PS3:Supporting